The following is an entry in ClinVar:

ClinVar aggregate classification (germline): Pathogenic (1 of 4 stars; one submission).

Conditions:
Hereditary cancer-predisposing syndrome. Also called: Hereditary neoplastic syndrome; Neoplastic Syndromes, Hereditary; Tumor predisposition; Hereditary Cancer Syndrome. Identifiers: Orphanet 140162, MedGen C0027672, MeSH D009386, MONDO:0015356.

Submission:

Ambry Genetics
Classification: Pathogenic for Hereditary cancer-predisposing syndrome. Last evaluated: 2025-03-07. Review status: criteria provided, single submitter. Criteria: Ambry Variant Classification Scheme 2023. Collection method: clinical testing. Allele origin: germline.
Comment: The c.891delA pathogenic mutation, located in coding exon 4 of the BARD1 gene, results from a deletion of one nucleotide at nucleotide position 891, causing a translational frameshift with a predicted alternate stop codon (p.V298*). This variant is considered to be rare based on population cohorts in the Genome Aggregation Database (gnomAD). This alteration is expected to result in loss of function by premature protein truncation or nonsense-mediated mRNA decay. As such, this alteration is interpreted as a disease-causing mutation.

NM_000465.4(BARD1):c.891del (p.Val297_Val298insTer)

Gene: BARD1 (BRCA1 associated RING domain 1; minus strand). Cytogenetic location: 2q35.
Variant type: Deletion.
Coding change: c.891del on transcript NM_000465.4 (MANE Select); coding-DNA position 891, one base deleted (A; older notation c.891delA).
Protein change: p.Val297_Val298insTer.
Molecular consequence: frameshift variant. On other transcripts: non-coding transcript variant (2), intron variant (3).
Genome position (GRCh38, 1-based): chr2:214,780,983, T deleted on the plus strand (A on the coding strand, the reverse complement: BARD1 is on the minus strand). VCF-style (leftmost placement, unchanged base first): chr2-214780982-CT-C. GRCh37 (hg19) VCF-style: chr2-215645706-CT-C.
Other names: c.834del, p.Val278_Val279insTer (NM_001282543.2); c.159-28428del (NM_001282548.2); c.215+16078del (NM_001282545.2); c.364+11314del (NM_001282549.2).
Identifiers: ClinVar variation 3820651 (VCV003820651.1).